The following is an entry in ClinVar:

ClinVar aggregate classification (germline): Likely benign. Review status: criteria provided, multiple submitters, no conflicts (2 of 4 stars). 4 submissions from 4 submitters: Likely benign (3). 1 of the submissions does not count toward it. Last evaluated 2025-07-24.

Conditions:
LAMA5-related disorder. Also called: LAMA5-related condition; LAMA5-Related Disorders.

Allele frequency attached by ClinVar (database versions not stated): gnomAD 0.00038; gnomAD exomes 0.00051; ExAC 0.00095.
gnomAD v4.1: 796 of 1,574,486 alleles (0.051%); highest among the groups gnomAD compares: Non-Finnish European, 0.062%; 2 homozygotes.

Submissions (4):

Labcorp Genetics (formerly Invitae), Labcorp
Classification: Likely benign. Last evaluated: 2025-07-24. Review status: criteria provided, single submitter. Criteria: Invitae Variant Classification Sherloc (09022015). Collection method: clinical testing. Allele origin: germline.

Blueprint Genetics
Classification: Likely benign. Last evaluated: 2024-07-16. Review status: criteria provided, single submitter. Criteria: ACMG Guidelines, 2015. Collection method: clinical testing. Allele origin: germline.

CeGaT Center for Human Genetics Tuebingen
Classification: Likely benign. Last evaluated: 2022-06-01. Review status: criteria provided, single submitter. Criteria: CeGaT Center For Human Genetics Tuebingen Variant Classification Criteria Version 2. Collection method: clinical testing. Allele origin: germline. Affected: yes. Observed: 1 variant allele.
Comment: LAMA5: BP4

PreventionGenetics, part of Exact Sciences
Classification: Likely benign for LAMA5-related condition. Last evaluated: 2021-04-08. Review status: no assertion criteria provided. Collection method: clinical testing. Allele origin: germline. Not counted in ClinVar's aggregate classification.
Comment: This variant is classified as likely benign based on ACMG/AMP sequence variant interpretation guidelines (Richards et al. 2015 PMID: 25741868, with internal and published modifications).

NM_005560.6(LAMA5):c.558G>A (p.Gln186=)

Genes: LAMA5 (laminin subunit alpha 5; minus strand), LAMA5-AS1 (LAMA5 antisense RNA 1; plus strand). Cytogenetic location: 20q13.33.
Variant type: single nucleotide variant.
Coding change: c.558G>A on transcript NM_005560.6 (MANE Select); coding-DNA position 558, G replaced by A.
Protein change: p.Gln186=; no amino-acid change (glutamine 186 retained).
Molecular consequence: synonymous variant. On other transcripts: non-coding transcript variant (3).
Genome position (GRCh38, 1-based): chr20:62,353,144, C>T on the plus strand (G>A on the coding strand, the complement: LAMA5 is on the minus strand). VCF-style: chr20-62353144-C-T. GRCh37 (hg19) VCF-style: chr20-60928200-C-T.
Other names: c.558G>A (NM_005560.4).
Identifiers: ClinVar variation 2182178 (VCV002182178.30), dbSNP rs548845980, ClinGen allele CA9944416.
Genomic context (GRCh38, chr20:62,353,144, plus strand): 5'-CAGGGACCCCCCTGCCTCTCCCCCCAGGCCCCACGGCGGCAGAGACTCACAGGCAAAGAA[C>T]TGCCAGGGCTGGTAGGTGCGGCCGAAGTCCATGGACCGCTCCAGCACCCAGAGGTCCGGC-3'
Protein context (NP_005551.3, residues 176-196): MDFGRTYQPW[Gln186=]FFASSKRDCL